The following is an entry in ClinVar:

ClinVar aggregate classification (germline): Uncertain significance (1 of 4 stars; one submission).

Conditions:
Primary familial hypertrophic cardiomyopathy (HCM). Identifiers: Orphanet 99739, MedGen C0949658, MeSH D024741, MONDO:0024573. Inheritance: Various modes of inheritance.

Allele frequency attached by ClinVar (database versions not stated): gnomAD exomes below 0.00001.
gnomAD v4.1: 1 of 1,614,184 alleles (0.000062%); highest among the groups gnomAD compares: Non-Finnish European, 0.000085%; no homozygotes.

Submission:

Labcorp Genetics (formerly Invitae), Labcorp
Classification: Uncertain significance for Primary familial hypertrophic cardiomyopathy. Last evaluated: 2024-01-16. Review status: criteria provided, single submitter. Criteria: Invitae Variant Classification Sherloc (09022015). Collection method: clinical testing. Allele origin: germline.
Comment: This sequence change replaces methionine, which is neutral and non-polar, with leucine, which is neutral and non-polar, at codon 375 of the ILK protein (p.Met375Leu). This variant is present in population databases (no rsID available, gnomAD 0.0009%). This variant has not been reported in the literature in individuals affected with ILK-related conditions. An algorithm developed to predict the effect of missense changes on protein structure and function (PolyPhen-2) suggests that this variant is likely to be tolerated. In summary, the available evidence is currently insufficient to determine the role of this variant in disease. Therefore, it has been classified as a Variant of Uncertain Significance.

NM_004517.4(ILK):c.1123A>C (p.Met375Leu)

Genes: ILK (integrin linked kinase; plus strand), TAF10 (TATA-box binding protein associated factor 10; minus strand). Cytogenetic location: 11p15.4.
Variant type: single nucleotide variant.
Coding change: c.1123A>C on transcript NM_004517.4 (MANE Select); coding-DNA position 1123, A replaced by C.
Protein change: p.Met375Leu; replaces methionine 375 with leucine.
Molecular consequence: missense variant. On other transcripts: 3 prime UTR variant (1).
Genome position (GRCh38, 1-based): chr11:6,610,192, A>C. VCF-style: chr11-6610192-A-C. GRCh37 (hg19) VCF-style: chr11-6631423-A-C.
Other names: c.1123A>C, p.Met375Leu (NM_001014794.3, NM_001014795.3); c.940A>C, p.Met314Leu (NM_001278441.2); c.721A>C, p.Met241Leu (NM_001278442.2); c.*730T>G (NM_006284.4); short protein forms M314L, M241L, M375L.
Identifiers: ClinVar variation 2958250 (VCV002958250.3), dbSNP rs1394802490, ClinGen allele CA379466976.